The following is an entry in ClinVar:

ClinVar aggregate classification (germline): Uncertain significance. Review status: criteria provided, multiple submitters, no conflicts (2 of 4 stars). 3 submissions from 3 submitters: Uncertain significance (3). Last evaluated 2026-05-08.

Conditions:
Hypotonia, infantile, with psychomotor retardation and characteristic facies 1 (INNFD). Identifiers: Orphanet 371364, Orphanet 700336, MedGen C3809454, MONDO:0024567, OMIM 615419.

gnomAD v4.1: 14 of 1,613,796 alleles (0.00087%); highest among the groups gnomAD compares: Non-Finnish European, 0.0012%; no homozygotes.

Submissions (3):

Clinical Genomics Laboratory, Washington University in St. Louis
Classification: Uncertain significance for Hypotonia, infantile, with psychomotor retardation and characteristic facies 1. Last evaluated: 2026-05-08. Review status: criteria provided, single submitter. Criteria: ACMG Guidelines, 2015. Collection method: clinical testing. Allele origin: germline.
Comment: The NALCN c.3690G>A (p.Lys1230=) variant, to our knowledge, has not been reported in the medical literature but has been reported in the ClinVar database as a germline variant of uncertain significance by one submitter. This variant is only observed in 3/282418 alleles in the general population (gnomAD v2.1.1), indicating it is not a common variant. This variant occurs in the last nucleotide of an exon, which is a conserved position, and computational predictors indicate that this variant would alter splicing leading to an out-of-frame transcript. Due to limited information, and based on ACMG/AMP guidelines for variant interpretation (Richards S et al., PMID: 25741868), the clinical significance of this variant is uncertain at this time.

GeneDx
Classification: Uncertain significance. Last evaluated: 2024-02-27. Review status: criteria provided, single submitter. Criteria: GeneDx Variant Classification Process June 2021. Collection method: clinical testing. Allele origin: germline. Affected: yes.
Comment: Alters the last nucleotide of the exon and is predicted to destroy the splice donor site and result in aberrant splicing, although in the absence of functional evidence the actual effect of this sequence change is unknown; Has not been previously published as pathogenic or benign to our knowledge

Blueprint Genetics
Classification: Uncertain significance. Last evaluated: 2021-06-09. Review status: criteria provided, single submitter. Criteria: ACMG Guidelines, 2015. Collection method: clinical testing. Allele origin: germline.

NM_052867.4(NALCN):c.3690G>A (p.Lys1230=)

Gene: NALCN (sodium leak channel, non-selective; minus strand). Cytogenetic location: 13q32.3.
Variant type: single nucleotide variant.
Coding change: c.3690G>A on transcript NM_052867.4 (MANE Select); coding-DNA position 3690, G replaced by A.
Protein change: p.Lys1230=; no amino-acid change (lysine 1230 retained).
Molecular consequence: synonymous variant.
Genome position (GRCh38, 1-based): chr13:101,083,092, C>T on the plus strand (G>A on the coding strand, the complement: NALCN is on the minus strand). VCF-style: chr13-101083092-C-T. GRCh37 (hg19) VCF-style: chr13-101735443-C-T.
Other names: c.3777G>A, p.Lys1259= (NM_001350748.2); c.3690G>A, p.Lys1230= (NM_001350749.2); c.3603G>A, p.Lys1201= (NM_001350750.2, NM_001350751.2).
Identifiers: ClinVar variation 3369809 (VCV003369809.3).